The following is an entry in ClinVar:

ClinVar aggregate classification (germline): Likely pathogenic (1 of 4 stars; one submission).

Conditions:
Cystic fibrosis (CF). Also called: MUCOVISCIDOSIS. Identifiers: Orphanet 586, MedGen C0010674, MONDO:0009061, OMIM 219700. Disease mechanism: loss of function.

Submission:

Myriad Genetics, Inc.
Classification: Likely pathogenic for Cystic fibrosis. Last evaluated: 2022-02-17. Review status: criteria provided, single submitter. Criteria: Myriad Women's Health Autosomal Recessive and X-Linked Classification Criteria (2021). Collection method: clinical testing. Allele origin: unknown.
Comment: NM_000492.3(CFTR):c.1472_1482del11(C491Ffs*9) is expected to be pathogenic in the context of cystic fibrosis. This variant is predicted to lead to an abnormal or absent protein product due to the creation of a premature termination codon in CFTR, a gene where loss-of-function variants are known to be pathogenic. Please note: this variant was assessed in the context of healthy population screening.

NM_000492.4(CFTR):c.1472_1482del (p.Cys491fs)

Genes: CFTR (CF transmembrane conductance regulator; plus strand), CFTR-AS1 (CFTR antisense RNA 1; minus strand). Cytogenetic location: 7q31.2.
Variant type: Deletion.
Coding change: c.1472_1482del on transcript NM_000492.4 (MANE Select); coding-DNA positions 1472 to 1482, 11 bases deleted (GTTCTCAGTTT).
Protein change: p.Cys491fs; shifts the reading frame from cysteine 491.
Molecular consequence: frameshift variant.
Genome position (GRCh38, 1-based): chr7:117,559,543-117,559,553, GTTCTCAGTTT deleted; deleting any 11 consecutive bases within chr7:117,559,542-117,559,553 gives the same sequence; the c. name uses the placement nearest the transcript's 3' end. VCF-style (leftmost placement, unchanged base first): chr7-117559541-CTGTTCTCAGTT-C. GRCh37 (hg19) VCF-style: chr7-117199595-CTGTTCTCAGTT-C.
Other names: short protein forms C491fs.
Identifiers: ClinVar variation 1724432 (VCV001724432.2), dbSNP rs2485065495, ClinGen allele CA2580076300.